The following is an entry in ClinVar:

ClinVar aggregate classification (germline): Uncertain significance (1 of 4 stars; one submission).

Conditions:
Immunodeficiency, common variable, 10. Also called: DEFICIT IN ANTERIOR PITUITARY FUNCTION AND VARIABLE IMMUNODEFICIENCY; IMMUNODEFICIENCY, COMMON VARIABLE, WITH CENTRAL ADRENAL INSUFFICIENCY. Identifiers: MedGen C3809991, MONDO:0014260, OMIM 615577.

Submission:

Labcorp Genetics (formerly Invitae), Labcorp
Classification: Uncertain significance for Immunodeficiency, common variable, 10. Last evaluated: 2021-12-03. Review status: criteria provided, single submitter. Criteria: Invitae Variant Classification Sherloc (09022015). Collection method: clinical testing. Allele origin: germline.
Comment: In summary, the available evidence is currently insufficient to determine the role of this variant in disease. Therefore, it has been classified as a Variant of Uncertain Significance. Algorithms developed to predict the effect of missense changes on protein structure and function are either unavailable or do not agree on the potential impact of this missense change (SIFT: "Deleterious"; PolyPhen-2: "Benign"; Align-GVGD: "Class C0"). This variant has not been reported in the literature in individuals affected with NFKB2-related conditions. This variant is not present in population databases (gnomAD no frequency). This sequence change replaces tyrosine, which is neutral and polar, with cysteine, which is neutral and slightly polar, at codon 385 of the NFKB2 protein (p.Tyr385Cys).

NM_001322934.2(NFKB2):c.1154A>G (p.Tyr385Cys)

Genes: NFKB2 (nuclear factor kappa B subunit 2; plus strand), LOC130004599 (ATAC-STARR-seq lymphoblastoid silent region 2756; plus strand). Cytogenetic location: 10q24.32.
Variant type: single nucleotide variant.
Coding change: c.1154A>G on transcript NM_001322934.2 (MANE Select); coding-DNA position 1154, A replaced by G.
Protein change: p.Tyr385Cys; replaces tyrosine 385 with cysteine.
Molecular consequence: missense variant.
Genome position (GRCh38, 1-based): chr10:102,399,324, A>G. VCF-style: chr10-102399324-A-G. GRCh37 (hg19) VCF-style: chr10-104159081-A-G.
Other names: c.1154A>G, p.Tyr385Cys (NM_001077494.3, NM_001261403.3, NM_001288724.1 and 1 more transcripts); c.1028A>G, p.Tyr343Cys (NM_001322935.1); short protein forms Y343C, Y385C.
Identifiers: ClinVar variation 1346644 (VCV001346644.6), dbSNP rs2135434659, ClinGen allele CA377898647.